The following is an entry in ClinVar:

ClinVar aggregate classification (germline): Uncertain significance (1 of 4 stars; one submission).

Submission:

GeneDx
Classification: Uncertain significance. Last evaluated: 2017-09-27. Review status: criteria provided, single submitter. Criteria: GeneDx Variant Classification (06012015). Collection method: clinical testing. Allele origin: germline. Affected: yes.
Comment: The D796Y variant in the CHD1L gene has not been reported previously as a pathogenic variant, nor as a benign variant, to our knowledge. The D796Y variant is not observed in large population cohorts (Lek et al., 2016). The D796Y variant is a non-conservative amino acid substitution, which is likely to impact secondary protein structure as these residues differ in polarity, charge, size and/or other properties. This substitution occurs at a position that is conserved across species. In silico analysis predicts this variant is probably damaging to the protein structure/function. We interpret D796Y as a variant of uncertain significance.

NM_004284.6(CHD1L):c.2386G>T (p.Asp796Tyr)

Gene: CHD1L (chromodomain helicase DNA binding protein 1 like; plus strand). Cytogenetic location: 1q21.1.
Variant type: single nucleotide variant.
Coding change: c.2386G>T on transcript NM_004284.6 (MANE Select); coding-DNA position 2386, G replaced by T.
Protein change: p.Asp796Tyr; replaces aspartic acid 796 with tyrosine.
Molecular consequence: missense variant. On other transcripts: non-coding transcript variant (16).
Genome position (GRCh38, 1-based): chr1:147,291,547, G>T. VCF-style: chr1-147291547-G-T. GRCh37 (hg19) VCF-style: chr1-146763229-G-T.
Other names: c.2086G>T, p.Asp696Tyr (NM_001256336.3); c.1543G>T, p.Asp515Tyr (NM_001256337.3, NM_001348456.2, NM_001348457.2 and 9 more transcripts); c.1774G>T, p.Asp592Tyr (NM_001256338.3); c.2170G>T, p.Asp724Tyr (NM_001348451.2, NM_001348452.2); c.2047G>T, p.Asp683Tyr (NM_001348453.2, NM_024568.4); c.1930G>T, p.Asp644Tyr (NM_001348454.2); c.1897G>T, p.Asp633Tyr (NM_001348455.2); short protein forms D796Y, D633Y, D696Y, D644Y, D724Y, D515Y, D592Y, D683Y.
Identifiers: ClinVar variation 452336 (VCV000452336.2), dbSNP rs1553970560, ClinGen allele CA342211124.